The following is an entry in ClinVar:

NM_000059.4(BRCA2):c.2429C>T (p.Thr810Ile)

Gene: BRCA2 (BRCA2 DNA repair associated; plus strand). Cytogenetic location: 13q13.1.
Variant type: single nucleotide variant.
Coding change: c.2429C>T on transcript NM_000059.4 (MANE Select); coding-DNA position 2429, C replaced by T.
Protein change: p.Thr810Ile; replaces threonine 810 with isoleucine.
Molecular consequence: missense variant.
Genome position (GRCh38, 1-based): chr13:32,336,784, C>T. VCF-style: chr13-32336784-C-T. GRCh37 (hg19) VCF-style: chr13-32910921-C-T.
Other names: p.T810I:ACC>ATC; short protein forms T810I.
Identifiers: ClinVar variation 51282 (VCV000051282.23), dbSNP rs80358509, ClinGen allele CA015239.

ClinVar aggregate classification (germline): Conflicting classifications of pathogenicity. Review status: criteria provided, conflicting classifications (1 of 4 stars). 8 submissions from 8 submitters: Uncertain significance (1); Likely benign (5). 2 of the submissions do not count toward it. Last evaluated 2025-11-27.

Conditions:
Hereditary cancer-predisposing syndrome. Also called: Neoplastic Syndromes, Hereditary; Tumor predisposition; Hereditary Cancer Syndrome; Hereditary neoplastic syndrome. Identifiers: Orphanet 140162, MedGen C0027672, MeSH D009386, MONDO:0015356.
Hereditary breast ovarian cancer syndrome. Also called: Hereditary breast and ovarian cancer syndrome; Hereditary breast and ovarian cancer; Hereditary breast and ovarian cancer syndrome (HBOC); Breast and ovarian cancer; Hereditary breast and/or ovarian cancer syndrome; BRCA1- and BRCA2-Associated Hereditary Breast and Ovarian Cancer. Identifiers: Orphanet 145, MedGen C0677776, MeSH D061325, MONDO:0003582. Disease mechanism: loss of function.
Breast-ovarian cancer, familial, susceptibility to, 2 (BROVCA2). Also called: BRCA2 Hereditary Breast and Ovarian Cancer. Identifiers: Orphanet 145, MedGen C2675520, MONDO:0012933, OMIM 612555. Disease mechanism: loss of function.

Allele frequency attached by ClinVar (database versions not stated): ExAC 0.00001; gnomAD 0.00001; gnomAD exomes 0.00001.
gnomAD v4.1: 16 of 1,608,412 alleles (0.00099%); highest among the groups gnomAD compares: Non-Finnish European, 0.0014%; no homozygotes.

Submissions (8):

Labcorp Genetics (formerly Invitae), Labcorp
Classification: Uncertain significance for Hereditary breast ovarian cancer syndrome. Last evaluated: 2025-11-27. Review status: criteria provided, single submitter. Criteria: Invitae Variant Classification Sherloc (09022015). Collection method: clinical testing. Allele origin: germline.
Comment: This sequence change replaces threonine, which is neutral and polar, with isoleucine, which is neutral and non-polar, at codon 810 of the BRCA2 protein (p.Thr810Ile). This variant is present in population databases (rs80358509, gnomAD 0.002%). This variant has not been reported in the literature in individuals affected with BRCA2-related conditions. ClinVar contains an entry for this variant (Variation ID: 51282). Invitae Evidence Modeling of protein sequence and biophysical properties (such as structural, functional, and spatial information, amino acid conservation, physicochemical variation, residue mobility, and thermodynamic stability) indicates that this missense variant is not expected to disrupt BRCA2 protein function with a negative predictive value of 95%. In summary, the available evidence is currently insufficient to determine the role of this variant in disease. Therefore, it has been classified as a Variant of Uncertain Significance.

Women's Health and Genetics/Laboratory Corporation of America, LabCorp
Classification: Likely benign. Last evaluated: 2023-03-24. Review status: criteria provided, single submitter. Criteria: LabCorp Variant Classification Summary - May 2015. Collection method: clinical testing. Allele origin: germline.
Comment: Variant summary: BRCA2 c.2429C>T (p.Thr810Ile) results in a non-conservative amino acid change in the encoded protein sequence. Three of four in-silico tools predict a benign effect of the variant on protein function. The variant allele was found at a frequency of 8.1e-06 in 245558 control chromosomes. The available data on variant occurrences in the general population are insufficient to allow any conclusion about variant significance. To our knowledge, no occurrence of c.2429C>T in individuals affected with Hereditary Breast And Ovarian Cancer Syndrome and no experimental evidence demonstrating its impact on protein function have been reported. A report from the CAGI5 (fifth Critical Assessment of Genome Interpretation) challenge has classified this variant as likely benign in a prediction protocol that includes assessment of the impact of this variant on splicing and protein function using four sets of predictors (Padilla_2019, Cline_2019). Five clinical diagnostic laboratories have submitted clinical-significance assessments for this variant to ClinVar after 2014 without evidence for independent evaluation. Multiple laboratories reported the variant with conflicting assessments (likely benign, n=3; VUS, n=2). Based on the evidence outlined above, to reflect the emerging consensus as supported by two recent in-silico studies, the variant was classified as likely benign.

University of Washington Department of Laboratory Medicine, University of Washington
Classification: Likely benign for Hereditary cancer-predisposing syndrome. Last evaluated: 2023-03-23. Review status: criteria provided, single submitter. Criteria: Dines et al. (Genet Med. 2020). Collection method: curation. Allele origin: germline.
Comment: Missense variant in a coldspot region where missense variants are very unlikely to be pathogenic (PMID:31911673).

BRCA2 exon 11 coldspot. Reclassification based on statistical prior probability.

Ambry Genetics
Classification: Likely benign for Hereditary cancer-predisposing syndrome. Last evaluated: 2019-02-11. Review status: criteria provided, single submitter. Criteria: Ambry Variant Classification Scheme 2023. Collection method: clinical testing. Allele origin: germline.

Color Diagnostics, LLC DBA Color Health
Classification: Likely benign for Hereditary cancer-predisposing syndrome. Last evaluated: 2018-08-29. Review status: criteria provided, single submitter. Criteria: ACMG Guidelines, 2015. Collection method: clinical testing. Allele origin: germline.

GeneDx
Classification: Likely benign. Last evaluated: 2017-12-28. Review status: criteria provided, single submitter. Criteria: GeneDx Variant Classification (06012015). Collection method: clinical testing. Allele origin: germline. Affected: yes.
Comment: This variant is considered likely benign or benign based on one or more of the following criteria: it is a conservative change, it occurs at a poorly conserved position in the protein, it is predicted to be benign by multiple in silico algorithms, and/or has population frequency not consistent with disease.

Counsyl
Classification: Uncertain significance for Breast-ovarian cancer, familial, susceptibility to, 2. Last evaluated: 2018-01-31. Review status: no assertion criteria provided. Collection method: clinical testing. Allele origin: unknown. Not counted in ClinVar's aggregate classification.

Breast Cancer Information Core (BIC) (BRCA2)
Classification: Uncertain significance for Breast-ovarian cancer, familial 2. Last evaluated: 2004-02-20. Review status: no assertion criteria provided. Collection method: clinical testing. Allele origin: germline. Affected: yes. Observed: 2 variant alleles. Not counted in ClinVar's aggregate classification.

Literature cited by the submitters: PubMed 31112341 (cited by Women's Health and Genetics/Laboratory Corporation of America, LabCorp); PubMed 31294896 (cited by Women's Health and Genetics/Laboratory Corporation of America, LabCorp).